The following is an entry in ClinVar:

NM_003073.5(SMARCB1):c.986+300C>G

Gene: SMARCB1 (SWI/SNF related BAF chromatin remodeling complex subunit B1; plus strand). Cytogenetic location: 22q11.23.
Variant type: single nucleotide variant.
Coding change: c.986+300C>G on transcript NM_003073.5 (MANE Select); 300 bases into the intron after coding-DNA position 986, C replaced by G.
Molecular consequence: intron variant.
Genome position (GRCh38, 1-based): chr22:23,825,715, C>G. VCF-style: chr22-23825715-C-G. GRCh37 (hg19) VCF-style: chr22-24167902-C-G.
Other names: c.1040+300C>G (NM_001362877.2); c.1013+300C>G (NM_001317946.2); c.959+300C>G (NM_001007468.3).
Identifiers: ClinVar variation 684101 (VCV000684101.1), dbSNP rs34297729, ClinGen allele CA14973835.
Genomic context (GRCh38, chr22:23,825,715, plus strand): 5'-AGGGTGAACCTCAAGTCCTTGCCTCCACGGAGCCCTGGCCTGCCCCCACCATCCACCATT[C>G]AGTTGTCCTGCCCCACACCCTCTCTCTCTGCTCTTGCCCAGACTGTTATTTTGGTCAGGG-3'

ClinVar aggregate classification (germline): Benign (1 of 4 stars; one submission).

Allele frequency attached by ClinVar (database versions not stated): gnomAD exomes 0.02004; gnomAD 0.10538 and 0.11267; 1000 Genomes Project 0.11721; TOPMed 0.11872; 1000 Genomes Project 30x 0.12539.
gnomAD v4.1: 22,508 of 465,856 alleles (4.8%); highest among the groups gnomAD compares: African/African-American, 35%; 3,232 homozygotes.

Submission:

GeneDx
Classification: Benign. Last evaluated: 2018-06-19. Review status: criteria provided, single submitter. Criteria: GeneDx Variant Classification (06012015). Collection method: clinical testing. Allele origin: germline. Affected: yes.
Comment: This variant is considered likely benign or benign based on one or more of the following criteria: it is a conservative change, it occurs at a poorly conserved position in the protein, it is predicted to be benign by multiple in silico algorithms, and/or has population frequency not consistent with disease.